The following is an entry in ClinVar:

ClinVar aggregate classification (germline): Likely benign (0 of 4 stars; one submission).

Conditions:
ATP2A3-related disorder. Also called: ATP2A3-related condition.

Allele frequency attached by ClinVar (database versions not stated): 1000 Genomes Project 30x 0.00031; 1000 Genomes Project 0.00040; ESP Exome Variant Server 0.00077; gnomAD 0.00108; gnomAD exomes 0.00129; TOPMed 0.00138; ExAC 0.00145.
gnomAD v4.1: 2,105 of 1,613,164 alleles (0.13%); highest among the groups gnomAD compares: Middle Eastern, 0.18%; 4 homozygotes.

Submission:

PreventionGenetics, part of Exact Sciences
Classification: Likely benign for ATP2A3-related condition. Last evaluated: 2023-01-12. Review status: no assertion criteria provided. Collection method: clinical testing. Allele origin: germline.
Comment: This variant is classified as likely benign based on ACMG/AMP sequence variant interpretation guidelines (Richards et al. 2015 PMID: 25741868, with internal and published modifications).

NM_005173.4(ATP2A3):c.1277A>G (p.Asp426Gly)

Gene: ATP2A3 (ATPase sarcoplasmic/endoplasmic reticulum Ca2+ transporting 3; minus strand). Cytogenetic location: 17p13.2.
Variant type: single nucleotide variant.
Coding change: c.1277A>G on transcript NM_005173.4 (MANE Select); coding-DNA position 1277, A replaced by G.
Protein change: p.Asp426Gly; replaces aspartic acid 426 with glycine.
Molecular consequence: missense variant.
Genome position (GRCh38, 1-based): chr17:3,944,714, T>C on the plus strand (A>G on the coding strand, the complement: ATP2A3 is on the minus strand). VCF-style: chr17-3944714-T-C. GRCh37 (hg19) VCF-style: chr17-3848008-T-C.
Other names: c.1277A>G, p.Asp426Gly (NM_174953.3, NM_174954.3, NM_174955.3 and 3 more transcripts); short protein forms D426G.
Identifiers: ClinVar variation 3037517 (VCV003037517.2), dbSNP rs144329080, ClinGen allele CA8297273.